The following is an entry in ClinVar:

NM_002047.4(GARS1):c.406C>A (p.Gln136Lys)

Gene: GARS1 (glycyl-tRNA synthetase 1; plus strand). Cytogenetic location: 7p14.3.
Variant type: single nucleotide variant.
Coding change: c.406C>A on transcript NM_002047.4 (MANE Select); coding-DNA position 406, C replaced by A.
Protein change: p.Gln136Lys; replaces glutamine 136 with lysine.
Molecular consequence: missense variant.
Genome position (GRCh38, 1-based): chr7:30,600,028, C>A. VCF-style: chr7-30600028-C-A. GRCh37 (hg19) VCF-style: chr7-30639644-C-A.
Other names: c.244C>A, p.Gln82Lys (NM_001316772.1); short protein forms Q136K, Q82K.
Identifiers: ClinVar variation 1680893 (VCV001680893.6), dbSNP rs2128132565, ClinGen allele CA367139253.

ClinVar aggregate classification (germline): Uncertain significance (1 of 4 stars; one submission).

Conditions:
Charcot-Marie-Tooth disease type 2. Also called: Charcot-Marie-Tooth type 2. Identifiers: Orphanet 64746, MedGen C0270914, MONDO:0018993.

gnomAD v4.1: 1 of 1,611,912 alleles (0.000062%); no homozygotes.

Submission:

Labcorp Genetics (formerly Invitae), Labcorp
Classification: Uncertain significance for Charcot-Marie-Tooth disease type 2. Last evaluated: 2021-08-23. Review status: criteria provided, single submitter. Criteria: Invitae Variant Classification Sherloc (09022015). Collection method: clinical testing. Allele origin: germline.
Comment: This sequence change replaces glutamine with lysine at codon 136 of the GARS protein (p.Gln136Lys). The glutamine residue is highly conserved and there is a small physicochemical difference between glutamine and lysine. This variant is not present in population databases (ExAC no frequency). This variant has not been reported in the literature in individuals affected with GARS-related conditions. Algorithms developed to predict the effect of missense changes on protein structure and function (SIFT, PolyPhen-2, Align-GVGD) all suggest that this variant is likely to be tolerated. In summary, the available evidence is currently insufficient to determine the role of this variant in disease. Therefore, it has been classified as a Variant of Uncertain Significance.